The following is an entry in ClinVar:

ClinVar aggregate classification (germline): Uncertain significance (1 of 4 stars; one submission).

Conditions:
Inborn genetic diseases. Identifiers: MedGen C0950123, MeSH D030342.

Submission:

Ambry Genetics
Classification: Uncertain significance for Inborn genetic diseases. Last evaluated: 2025-04-09. Review status: criteria provided, single submitter. Criteria: Ambry Variant Classification Scheme 2023. Collection method: clinical testing. Allele origin: germline.
Comment: The p.M680L variant (also known as c.2038A>C), located in coding exon 12 of the RECQL4 gene, results from an A to C substitution at nucleotide position 2038. The methionine at codon 680 is replaced by leucine, an amino acid with highly similar properties. This amino acid position is conserved. In addition, this alteration is predicted to be tolerated by in silico analysis. Based on the available evidence, the clinical significance of this variant remains unclear.

NM_004260.4(RECQL4):c.2038A>C (p.Met680Leu)

Gene: RECQL4 (RecQ like helicase 4; minus strand). Cytogenetic location: 8q24.3.
Variant type: single nucleotide variant.
Coding change: c.2038A>C on transcript NM_004260.4 (MANE Select); coding-DNA position 2038, A replaced by C.
Protein change: p.Met680Leu; replaces methionine 680 with leucine.
Molecular consequence: missense variant. On other transcripts: non-coding transcript variant (3).
Genome position (GRCh38, 1-based): chr8:144,513,948, T>G on the plus strand (A>C on the coding strand, the complement: RECQL4 is on the minus strand). VCF-style: chr8-144513948-T-G. GRCh37 (hg19) VCF-style: chr8-145739332-T-G.
Other names: c.1942A>C, p.Met648Leu (NM_001413017.1, NM_001413020.1); c.2038A>C, p.Met680Leu (NM_001413018.1, NM_001413019.1, NM_001413036.1); c.967A>C, p.Met323Leu (NM_001413021.1, NM_001413022.1, NM_001413023.1 and 6 more transcripts); c.1909A>C, p.Met637Leu (NM_001413025.1); c.901A>C, p.Met301Leu (NM_001413027.1, NM_001413030.1, NM_001413032.1 and 1 more transcripts); c.1687A>C, p.Met563Leu (NM_001413029.1); c.769A>C, p.Met257Leu (NM_001413031.1); c.1906A>C, p.Met636Leu (NM_001413033.1); and 4 more; short protein forms M301L, M637L, M670L, M680L, M191L, M257L, M636L, M313L.
Identifiers: ClinVar variation 3944273 (VCV003944273.1).
Genomic context (GRCh38, chr8:144,513,948, plus strand): 5'-AGCCAGGGCCCTGCAGGGTCCCCAGAGCACACACACCCACCTGGTCTGTGTCCCTGTCCA[T>G]GGACACGGAAAGGTGCAGGTTGGTGGGAACTGGGGCTGGCCCGTGGAGGTCAGGCTCTTC-3'
Protein context (NP_004251.4, residues 670-690): VPTNLHLSVS[Met680Leu]DRDTDQALLT